The following is an entry in ClinVar:

ClinVar aggregate classification (germline): Uncertain significance (1 of 4 stars; one submission).

Conditions:
Autosomal recessive limb-girdle muscular dystrophy type R18 (LGMDR18). Also called: MUSCULAR DYSTROPHY, LIMB-GIRDLE, AUTOSOMAL RECESSIVE 18; Autosomal recessive limb-girdle muscular dystrophy type 2S; Limb-girdle muscular dystrophy, type 2S. Identifiers: Orphanet 369840, MedGen C4517996, MONDO:0014144, OMIM 615356.

Allele frequency attached by ClinVar (database versions not stated): gnomAD exomes below 0.00001 and 0.00002.
gnomAD v4.1: 20 of 1,614,112 alleles (0.0012%); highest among the groups gnomAD compares: Non-Finnish European, 0.0017%; no homozygotes.

Submission:

Labcorp Genetics (formerly Invitae), Labcorp
Classification: Uncertain significance for Autosomal recessive limb-girdle muscular dystrophy type R18. Last evaluated: 2018-06-07. Review status: criteria provided, single submitter. Criteria: Invitae Variant Classification Sherloc (09022015). Collection method: clinical testing. Allele origin: germline.
Comment: Algorithms developed to predict the effect of missense changes on protein structure and function (SIFT, PolyPhen-2, Align-GVGD) all suggest that this variant is likely to be tolerated, but these predictions have not been confirmed by published functional studies and their clinical significance is uncertain. In summary, the available evidence is currently insufficient to determine the role of this variant in disease. Therefore, it has been classified as a Variant of Uncertain Significance. This variant has not been reported in the literature in individuals with TRAPPC11-related disease. This sequence change replaces arginine with glycine at codon 1109 of the TRAPPC11 protein (p.Arg1109Gly). The arginine residue is moderately conserved and there is a moderate physicochemical difference between arginine and glycine. This variant is not present in population databases (ExAC no frequency).

NM_021942.6(TRAPPC11):c.3325A>G (p.Arg1109Gly)

Gene: TRAPPC11 (trafficking protein particle complex subunit 11; plus strand). Cytogenetic location: 4q35.1.
Variant type: single nucleotide variant.
Coding change: c.3325A>G on transcript NM_021942.6 (MANE Select); coding-DNA position 3325, A replaced by G.
Protein change: p.Arg1109Gly; replaces arginine 1109 with glycine.
Molecular consequence: missense variant.
Genome position (GRCh38, 1-based): chr4:183,708,542, A>G. VCF-style: chr4-183708542-A-G. GRCh37 (hg19) VCF-style: chr4-184629695-A-G.
Other names: c.3206A>G, p.Gln1069Arg (NM_199053.3); short protein forms R1109G, Q1069R.
Identifiers: ClinVar variation 566593 (VCV000566593.9), dbSNP rs1278065030, ClinGen allele CA358875680.